The following is an entry in ClinVar:

NM_005393.3(PLXNB3):c.3149T>C (p.Val1050Ala)

Gene: PLXNB3 (plexin B3; plus strand). Cytogenetic location: Xq28.
Variant type: single nucleotide variant.
Coding change: c.3149T>C on transcript NM_005393.3 (MANE Select); coding-DNA position 3149, T replaced by C.
Protein change: p.Val1050Ala; replaces valine 1050 with alanine.
Molecular consequence: missense variant.
Genome position (GRCh38, 1-based): chrX:153,773,583, T>C. VCF-style: chrX-153773583-T-C. GRCh37 (hg19) VCF-style: chrX-153039038-T-C.
Other names: c.3218T>C, p.Val1073Ala (NM_001163257.2); short protein forms V1073A, V1050A.
Identifiers: ClinVar variation 4988403 (VCV004988403.1).

ClinVar aggregate classification (germline): Uncertain significance (1 of 4 stars; one submission).

Conditions:
PLXNB3-related disorder. Also called: PLXNB3-related condition.

gnomAD v4.1: 1 of 1,206,820 alleles (0.000083%); highest among the groups gnomAD compares: Non-Finnish European, 0.00011%; no homozygotes.

Submission:

PreventionGenetics, part of Exact Sciences
Classification: Uncertain significance for PLXNB3-related condition. Last evaluated: 2024-12-09. Review status: criteria provided, single submitter. Criteria: ACMG Guidelines, 2015. Collection method: clinical testing. Allele origin: germline.
Comment: The PLXNB3 c.3218T>C variant is predicted to result in the amino acid substitution p.Val1073Ala. To our knowledge, this variant has not been reported in the literature or in a large population database (gnomAD), indicating this variant is rare. At this time, the clinical significance of this variant is uncertain due to the absence of conclusive functional and genetic evidence.